The following is an entry in ClinVar:

NM_000138.5(FBN1):c.442C>T (p.Pro148Ser)

Gene: FBN1 (fibrillin 1; minus strand). Cytogenetic location: 15q21.1.
Variant type: single nucleotide variant.
Coding change: c.442C>T on transcript NM_000138.5 (MANE Select); coding-DNA position 442, C replaced by T.
Protein change: p.Pro148Ser; replaces proline 148 with serine.
Molecular consequence: missense variant.
Genome position (GRCh38, 1-based): chr15:48,600,139, G>A on the plus strand (C>T on the coding strand, the complement: FBN1 is on the minus strand). VCF-style: chr15-48600139-G-A. GRCh37 (hg19) VCF-style: chr15-48892336-G-A.
Other names: short protein forms P148S.
Identifiers: ClinVar variation 495610 (VCV000495610.30), dbSNP rs780624885, ClinGen allele CA052921.

ClinVar aggregate classification (germline): Conflicting classifications of pathogenicity. Review status: criteria provided, conflicting classifications (1 of 4 stars). 8 submissions from 8 submitters: Uncertain significance (7); Likely benign (1). Last evaluated 2025-12-15.

Conditions:
Familial thoracic aortic aneurysm and aortic dissection (TAAD). Also called: Thoracic aortic aneurysms and dissections. Identifiers: Orphanet 91387, MedGen C4707243, MONDO:0019625.
Connective tissue disorder. Also called: Connective tissue disease. Identifiers: MedGen C0009782, MONDO:0003900.
Marfan syndrome (MFS). Also called: Marfan syndrome type 1; MARFAN SYNDROME, TYPE I; Marfan's syndrome; FBN1-Related Marfan Syndrome; Marfan syndrome, classic. Identifiers: Orphanet 284963, Orphanet 558, MedGen C0024796, MONDO:0007947, OMIM 154700.

Allele frequency attached by ClinVar (database versions not stated): gnomAD 0.00001; ExAC 0.00002; gnomAD exomes 0.00002; TOPMed 0.00003.
gnomAD v4.1: 24 of 1,598,458 alleles (0.0015%); highest among the groups gnomAD compares: African/African-American, 0.0027%; no homozygotes.

Submissions (8):

Labcorp Genetics (formerly Invitae), Labcorp
Classification: Uncertain significance for Marfan syndrome; Familial thoracic aortic aneurysm and aortic dissection. Last evaluated: 2025-12-15. Review status: criteria provided, single submitter. Criteria: Invitae Variant Classification Sherloc (09022015). Collection method: clinical testing. Allele origin: germline.
Comment: This sequence change replaces proline, which is neutral and non-polar, with serine, which is neutral and polar, at codon 148 of the FBN1 protein (p.Pro148Ser). This variant is present in population databases (rs780624885, gnomAD 0.02%). This missense change has been observed in individual(s) with Marfan syndrome (PMID: 19293843). ClinVar contains an entry for this variant (Variation ID: 495610). An algorithm developed to predict the effect of missense changes on protein structure and function (PolyPhen-2) suggests that this variant is likely to be disruptive. In summary, the available evidence is currently insufficient to determine the role of this variant in disease. Therefore, it has been classified as a Variant of Uncertain Significance.

GeneDx
Classification: Uncertain significance. Last evaluated: 2025-09-22. Review status: criteria provided, single submitter. Criteria: GeneDx Variant Classification Process June 2021. Collection method: clinical testing. Allele origin: germline. Affected: yes.
Comment: Reported in a patient with familial Marfan syndrome who also harbored a frameshift variant on the same allele (PMID: 19293843); Functional analysis showed local folding defects for the p.(P148S) variant, whereas global folding was unaffected (PMID: 24035709); Does not affect a cysteine or calcium-binding residue within an EGF-like domain or a TGF-binding protein domain of the FBN1 gene; cysteine substitutions in the EGF-like domains represent the majority of pathogenic missense changes associated with FBN1-related disorders (PMID: 12938084); In silico analysis supports that this missense variant has a deleterious effect on protein structure/function; This variant is associated with the following publications: (PMID: 12938084, 24035709, 19293843)

CeGaT Center for Human Genetics Tuebingen
Classification: Likely benign. Last evaluated: 2025-09-01. Review status: criteria provided, single submitter. Criteria: CeGaT Center For Human Genetics Tuebingen Variant Classification Criteria Version 2. Collection method: clinical testing. Allele origin: germline. Affected: yes. Observed: 1 variant allele.
Comment: FBN1: BP2

Ambry Genetics
Classification: Uncertain significance for Familial thoracic aortic aneurysm and aortic dissection. Last evaluated: 2024-10-28. Review status: criteria provided, single submitter. Criteria: Ambry Variant Classification Scheme 2023. Collection method: clinical testing. Allele origin: germline.
Comment: The p.P148S variant (also known as c.442C>T), located in coding exon 4 of the FBN1 gene, results from a C to T substitution at nucleotide position 442. The proline at codon 148 is replaced by serine, an amino acid with similar properties. This variant co-occurred with a FBN1 frameshift variant in an individual with features consistent with Marfan syndrome (Stheneur C et al. Eur J Hum Genet, 2009 Sep;17:1121-8). This amino acid position is well conserved in available vertebrate species. In addition, this alteration is predicted to be deleterious by in silico analysis. Based on the available evidence, the clinical significance of this variant remains unclear.

Color Diagnostics, LLC DBA Color Health
Classification: Uncertain significance for Familial thoracic aortic aneurysm and aortic dissection. Last evaluated: 2024-01-04. Review status: criteria provided, single submitter. Criteria: ACMG Guidelines, 2015. Collection method: clinical testing. Allele origin: germline.
Comment: This missense variant replaces proline with serine at codon 148 of the FBN1 protein. Computational prediction is inconclusive regarding the impact of this variant on protein structure and function (internally defined REVEL score threshold 0.5 < inconclusive < 0.7, PMID: 27666373). This variant alters the conserved c.G at the last nucleotide position of exon 4 and is predicted to have no impact on RNA splicing by multiple computational splicing tools. To our knowledge, functional studies have not been reported for this variant. This variant has been reported in an individual affected with Marfan syndrome (PMID: 19293843), who also carried a pathogenic truncating FBN1 variant on the same allele as this variant. This variant has been identified in 6/251162 chromosomes in the general population by the Genome Aggregation Database (gnomAD). The available evidence is insufficient to determine the role of this variant in disease conclusively. Therefore, this variant is classified as a Variant of Uncertain Significance.

All of Us Research Program, National Institutes of Health
Classification: Uncertain significance for Marfan syndrome. Last evaluated: 2023-12-13. Review status: criteria provided, single submitter. Criteria: ACMG Guidelines, 2015. Collection method: clinical testing. Allele origin: germline. Inheritance: Autosomal dominant inheritance. Observed: 6 variant alleles, 6 heterozygotes.
Comment: This missense variant replaces proline with serine at codon 148 of the FBN1 protein. Computational prediction is inconclusive regarding the impact of this variant on protein structure and function (internally defined REVEL score threshold 0.5 < inconclusive < 0.7, PMID: 27666373). This variant alters the conserved c.G at the last nucleotide position of exon 4 and is predicted to have no impact on RNA splicing by multiple computational splicing tools. To our knowledge, functional studies have not been reported for this variant. This variant has been reported in an individual affected with Marfan syndrome (PMID: 19293843), who also carried a pathogenic truncating FBN1 variant on the same allele as this variant. This variant has been identified in 6/251162 chromosomes in the general population by the Genome Aggregation Database (gnomAD). The available evidence is insufficient to determine the role of this variant in disease conclusively. Therefore, this variant is classified as a Variant of Uncertain Significance.

This study involves interpretation of variants in research participants for the purpose of population health screening. Participant phenotype was not available at the time of variant classification. Additional details can be found in publication PMID: 35346344, PMCID: PMC8962531

Genome Diagnostics Laboratory, The Hospital for Sick Children
Classification: Uncertain significance for Connective tissue disorder. Last evaluated: 2019-06-01. Review status: criteria provided, single submitter. Criteria: ACMG Guidelines, 2015. Collection method: clinical testing. Allele origin: germline.

Women's Health and Genetics/Laboratory Corporation of America, LabCorp
Classification: Uncertain significance. Last evaluated: 2019-01-21. Review status: criteria provided, single submitter. Criteria: LabCorp Variant Classification Summary - May 2015. Collection method: clinical testing. Allele origin: germline.
Comment: Variant summary: FBN1 c.442C>T (p.Pro148Ser) results in a non-conservative amino acid change located in the EGF-like domain of the encoded protein sequence. Five of five in-silico tools predict a damaging effect of the variant on protein function. The variant is located in the last exonic position near an exon-intron junction. 5/5 computational tools predict no significant impact on normal splicing. However, these predictions have yet to be confirmed by functional studies. The variant allele was found at a frequency of 2.4e-05 in 245922 control chromosomes (gnomAD). The available data on variant occurrences in the general population are insufficient to allow any conclusion about variant significance. The variant was identified in a patient with classical familial Marfan syndrome, though it was found to be in cis with a frameshift variant (c.1844delA; p.Asn615fsX10), suggesting the variant of interest is possibly benign (Stheneur_EJHG_2009). A structural study of the N-terminal end of the protein showed that the variant may cause a minor disruption of the interface between the EGF2 and EGF3 domains, though global and local protein folding appeared similar to the WT (Yadin_Structure_2013). No clinical diagnostic laboratories have submitted clinical-significance assessments for this variant to ClinVar after 2014. Based on the evidence outlined above, the variant was classified as uncertain significance.

Literature cited by the submitters: PubMed 19293843 (cited by 5 submitters); PubMed 24035709 (cited by Ambry Genetics and Women's Health and Genetics/Laboratory Corporation of America, LabCorp).